The following is an entry in ClinVar:

ClinVar aggregate classification (germline): Uncertain significance (1 of 4 stars; one submission).

Conditions:
Neuronal ceroid lipofuscinosis 7 (CLN7). Also called: MFSD8-Related Neuronal Ceroid-Lipofuscinosis. Identifiers: Orphanet 168491, Orphanet 228366, MedGen C1838571, MONDO:0012588, OMIM 610951.

Submission:

Labcorp Genetics (formerly Invitae), Labcorp
Classification: Uncertain significance for Neuronal ceroid lipofuscinosis 7. Last evaluated: 2019-07-26. Review status: criteria provided, single submitter. Criteria: Invitae Variant Classification Sherloc (09022015). Collection method: clinical testing. Allele origin: germline.
Comment: In summary, the available evidence is currently insufficient to determine the role of this variant in disease. Therefore, it has been classified as a Variant of Uncertain Significance. This variant disrupts the p.Pro412 amino acid residue in MFSD8. Other variant(s) that disrupt this residue have been determined to be pathogenic (PMID: 19277732, 22668694, Invitae). This suggests that this residue is clinically significant, and that variants that disrupt this residue are likely to be disease-causing. This variant has not been reported in the literature in individuals with MFSD8-related conditions. This variant is not present in population databases (ExAC no frequency). This sequence change replaces proline with glycine at codon 412 of the MFSD8 protein (p.Pro412Gly). The proline residue is highly conserved and there is a small physicochemical difference between proline and glycine.

Literature cited by the submitters: PubMed 19277732; PubMed 22668694.

NM_001371596.2(MFSD8):c.1234_1235inv (p.Pro412Gly)

Gene: MFSD8 (major facilitator superfamily domain containing 8; minus strand). Cytogenetic location: 4q28.2.
Variant type: Inversion.
Coding change: c.1234_1235inv on transcript NM_001371596.2 (MANE Select).
Protein change: p.Pro412Gly; replaces proline 412 with glycine.
Molecular consequence: missense variant.
Genome position: GRCh38 VCF-style: chr4-127921639-GG-CC. GRCh37 (hg19) VCF-style: chr4-128842794-GG-CC.
Other names: c.1033_1034invCC, p.Pro345Gly (NM_001363520.3); c.919_920invCC, p.Pro307Gly (NM_001363521.3); c.1099_1100invCC, p.Pro367Gly (NM_001371590.2); c.1234_1235invCC, p.Pro412Gly (NM_001371591.2); c.1240_1241invCC, p.Pro414Gly (NM_001371592.2); c.1120_1121invCC, p.Pro374Gly (NM_001371593.2); c.1087_1088invCC, p.Pro363Gly (NM_001371594.2); c.952_953inv, p.Pro318Gly (NM_001371595.1); and 3 more; short protein forms P318G, P374G, P345G, P363G, P412G, P414G, P307G, P367G.
Identifiers: ClinVar variation 950479 (VCV000950479.7), ClinGen allele CA1139658218.